The following is an entry in ClinVar:

ClinVar aggregate classification (germline): Uncertain significance (1 of 4 stars; one submission).

Conditions:
Primary dilated cardiomyopathy (DCM). Also called: Dilated Cardiomyopathy. Identifiers: Orphanet 217604, MedGen C0007193, MeSH D002311, MONDO:0005021, HP:0001644. Inheritance: Various modes of inheritance.

gnomAD v4.1: 213 of 1,577,260 alleles (0.014%); highest among the groups gnomAD compares: African/African-American, 0.27%; no homozygotes.

Submission:

Clinical Genomics Laboratory, Washington University in St. Louis
Classification: Uncertain significance for dilated cardiomyopathy. Last evaluated: 2025-01-28. Review status: criteria provided, single submitter. Criteria: ACMG Guidelines, 2015. Collection method: clinical testing. Allele origin: germline.
Comment: The ZBTB17 c.1203C>G (p.Thr401=) variant, to our knowledge, has not been reported in the medical literature or in the ClinVar database. This variant is observed on 51/221,294 alleles in the general population (gnomAD v.2.1.1). Computational predictors indicate that the variant has no impact on splicing, evidence that this variant does not have a damaging effect on ZBTB17 function. Due to limited information, the clinical significance of this variant is uncertain.

NM_003443.3(ZBTB17):c.1203C>G (p.Thr401=)

Gene: ZBTB17 (zinc finger and BTB domain containing 17; minus strand). Cytogenetic location: 1p36.13.
Variant type: single nucleotide variant.
Coding change: c.1203C>G on transcript NM_003443.3 (MANE Select); coding-DNA position 1203, C replaced by G.
Protein change: p.Thr401=; no amino-acid change (threonine 401 retained).
Molecular consequence: synonymous variant.
Genome position (GRCh38, 1-based): chr1:15,944,468, G>C on the plus strand (C>G on the coding strand, the complement: ZBTB17 is on the minus strand). VCF-style: chr1-15944468-G-C. GRCh37 (hg19) VCF-style: chr1-16270963-G-C.
Other names: c.957C>G, p.Thr319= (NM_001242884.2); c.1203C>G, p.Thr401= (NM_001287603.2); c.975C>G, p.Thr325= (NM_001287604.2, NM_001324137.2); c.1014C>G, p.Thr338= (NM_001324138.2).
Identifiers: ClinVar variation 4279712 (VCV004279712.1).